The following is an entry in ClinVar:

ClinVar aggregate classification (germline): Uncertain significance (1 of 4 stars; one submission).

Conditions:
Cardiovascular phenotype. Identifiers: MedGen CN230736.

Submission:

Ambry Genetics
Classification: Uncertain significance for Cardiovascular phenotype. Last evaluated: 2026-03-07. Review status: criteria provided, single submitter. Criteria: Ambry Variant Classification Scheme 2023. Collection method: clinical testing. Allele origin: germline.
Comment: The p.A3889S variant (also known as c.11665G>T), located in coding exon 2 of the ZNF469 gene, results from a G to T substitution at nucleotide position 11665. The alanine at codon 3889 is replaced by serine, an amino acid with similar properties. This amino acid position is conserved. In addition, this alteration is predicted to be tolerated by in silico analysis. Based on the available evidence, the clinical significance of this variant remains unclear.

NM_001127464.1:c.11665G>T

Gene: ZNF469 (zinc finger protein 469; plus strand).
Variant type: single nucleotide variant.
Identifiers: ClinVar variation 4826324 (VCV004826324.1).